The following is an entry in ClinVar:

NM_177438.3(DICER1):c.1119A>C (p.Val373=)

Gene: DICER1 (dicer 1, ribonuclease III; minus strand). Cytogenetic location: 14q32.13.
Variant type: single nucleotide variant.
Coding change: c.1119A>C on transcript NM_177438.3 (MANE Select); coding-DNA position 1119, A replaced by C.
Protein change: p.Val373=; no amino-acid change (valine 373 retained).
Molecular consequence: synonymous variant.
Genome position (GRCh38, 1-based): chr14:95,124,453, T>G on the plus strand (A>C on the coding strand, the complement: DICER1 is on the minus strand). VCF-style: chr14-95124453-T-G. GRCh37 (hg19) VCF-style: chr14-95590790-T-G.
Other names: c.1119A>C, p.Val373= (NM_001195573.1, NM_001271282.3, NM_001291628.2 and 1 more transcripts).
Identifiers: ClinVar variation 702120 (VCV000702120.19), dbSNP rs769274448, ClinGen allele CA487845480.
Genomic context (GRCh38, chr14:95,124,453, plus strand): 5'-CTGTCGCTCATATGGTTTATATTTGCGTAAGATTTCGAGCAGTTTGATTACTTTAGGAGT[T>G]ACAAATTTCAGGTCAAGTGAGGCAGGTGAGAAGTGCTCTTCACATAGTGCATGTATTTTC-3'
Protein context (NP_803187.1, residues 363-383): FSPASLDLKF[Val373=]TPKVIKLLEI

ClinVar aggregate classification (germline): Benign/Likely benign. Review status: criteria provided, multiple submitters, no conflicts (2 of 4 stars). 4 submissions from 4 submitters: Benign (1); Likely benign (2). 1 of the submissions does not count toward it. Last evaluated 2026-04-15.

Conditions:
DICER1-related disorder. Also called: DICER1-related condition.
DICER1-related tumor predisposition. Also called: DICER1-related pleuropulmonary blastoma cancer predisposition syndrome; DICER1 syndrome. Identifiers: Orphanet 284343, MedGen C3839822, MONDO:0100216.
Hereditary cancer-predisposing syndrome. Also called: Hereditary Cancer Syndrome; Hereditary neoplastic syndrome; Neoplastic Syndromes, Hereditary; Tumor predisposition. Identifiers: Orphanet 140162, MedGen C0027672, MeSH D009386, MONDO:0015356.

Allele frequency attached by ClinVar (database versions not stated): TOPMed 0.00002; gnomAD 0.00003.
gnomAD v4.1: 8 of 1,614,066 alleles (0.0005%); highest among the groups gnomAD compares: Non-Finnish European, 0.00068%; no homozygotes.

Submissions (4):

Myriad Genetics, Inc.
Classification: Benign for DICER1-related tumor predisposition. Last evaluated: 2026-04-15. Review status: criteria provided, single submitter. Criteria: Myriad Autosomal Dominant, Autosomal Recessive and X-Linked Classification Criteria (2023). Collection method: clinical testing. Allele origin: unknown.
Comment: This variant is considered benign. This variant is a silent/synonymous amino acid change and it is not expected to impact splicing.

Labcorp Genetics (formerly Invitae), Labcorp
Classification: Likely benign for DICER1-related tumor predisposition. Last evaluated: 2024-09-12. Review status: criteria provided, single submitter. Criteria: Invitae Variant Classification Sherloc (09022015). Collection method: clinical testing. Allele origin: germline.

Ambry Genetics
Classification: Likely benign for Hereditary cancer-predisposing syndrome. Last evaluated: 2018-08-01. Review status: criteria provided, single submitter. Criteria: Ambry Variant Classification Scheme 2023. Collection method: clinical testing. Allele origin: germline.

PreventionGenetics, part of Exact Sciences
Classification: Likely benign for DICER1-related condition. Last evaluated: 2023-08-01. Review status: no assertion criteria provided. Collection method: clinical testing. Allele origin: germline. Not counted in ClinVar's aggregate classification.
Comment: This variant is classified as likely benign based on ACMG/AMP sequence variant interpretation guidelines (Richards et al. 2015 PMID: 25741868, with internal and published modifications).